The following is an entry in ClinVar:

ClinVar aggregate classification (germline): Conflicting classifications of pathogenicity. Review status: criteria provided, conflicting classifications (1 of 4 stars). 4 submissions from 4 submitters: Uncertain significance (1); Likely benign (3). Last evaluated 2025-11-03.

Allele frequency attached by ClinVar (database versions not stated): gnomAD 0.00029 and 0.00030; gnomAD exomes 0.00033 and 0.00044; ExAC 0.00034; ESP Exome Variant Server 0.00046; TOPMed 0.00049; 1000 Genomes Project 0.00060; 1000 Genomes Project 30x 0.00062.
gnomAD v4.1: 677 of 1,614,194 alleles (0.042%); highest among the groups gnomAD compares: Middle Eastern, 0.16%; 1 homozygote.

Submissions (4):

Labcorp Genetics (formerly Invitae), Labcorp
Classification: Likely benign. Last evaluated: 2025-11-03. Review status: criteria provided, single submitter. Criteria: Invitae Variant Classification Sherloc (09022015). Collection method: clinical testing. Allele origin: germline.

Blueprint Genetics
Classification: Likely benign. Last evaluated: 2024-11-27. Review status: criteria provided, single submitter. Criteria: ACMG Guidelines, 2015. Collection method: clinical testing. Allele origin: germline.

CeGaT Center for Human Genetics Tuebingen
Classification: Likely benign. Last evaluated: 2024-02-01. Review status: criteria provided, single submitter. Criteria: CeGaT Center For Human Genetics Tuebingen Variant Classification Criteria Version 2. Collection method: clinical testing. Allele origin: germline. Affected: yes. Observed: 1 variant allele.
Comment: BMP2: BP4, BP7

Eurofins Ntd Llc (ga)
Classification: Uncertain significance. Last evaluated: 2018-07-05. Review status: criteria provided, single submitter. Criteria: EGL ClinVar v180209 classification definitions. Collection method: clinical testing. Allele origin: germline. Observed: 1 variant allele, 1 heterozygote.

NM_001200.4(BMP2):c.891G>A (p.Lys297=)

Gene: BMP2 (bone morphogenetic protein 2; plus strand). Cytogenetic location: 20p12.3.
Variant type: single nucleotide variant.
Coding change: c.891G>A on transcript NM_001200.4 (MANE Select); coding-DNA position 891, G replaced by A.
Protein change: p.Lys297=; no amino-acid change (lysine 297 retained).
Molecular consequence: synonymous variant.
Genome position (GRCh38, 1-based): chr20:6,778,789, G>A. VCF-style: chr20-6778789-G-A. GRCh37 (hg19) VCF-style: chr20-6759436-G-A.
Identifiers: ClinVar variation 597783 (VCV000597783.37), dbSNP rs147542801, ClinGen allele CA9758762.